The following is an entry in ClinVar:

ClinVar aggregate classification (germline): Conflicting classifications of pathogenicity. Review status: criteria provided, conflicting classifications (1 of 4 stars). 3 submissions from 3 submitters: Uncertain significance (2); Likely benign (1). Last evaluated 2025-04-23.

Conditions:
Hereditary cancer-predisposing syndrome. Also called: Neoplastic Syndromes, Hereditary; Tumor predisposition; Hereditary neoplastic syndrome; Hereditary Cancer Syndrome. Identifiers: Orphanet 140162, MedGen C0027672, MeSH D009386, MONDO:0015356.
Peutz-Jeghers syndrome (PJS). Also called: POLYPOSIS, HAMARTOMATOUS INTESTINAL; POLYPS-AND-SPOTS SYNDROME; Peutz-Jeghers polyposis; Periorificial lentiginosis syndrome. Identifiers: Orphanet 2869, MedGen C0031269, MeSH D010580, MONDO:0008280, OMIM 175200.

gnomAD v4.1: 1 of 1,569,844 alleles (0.000064%); highest among the groups gnomAD compares: Non-Finnish European, 0.000086%; no homozygotes.

Submissions (3):

Ambry Genetics
Classification: Likely benign for Hereditary cancer-predisposing syndrome. Last evaluated: 2025-04-23. Review status: criteria provided, single submitter. Criteria: Ambry Variant Classification Scheme 2023. Collection method: clinical testing. Allele origin: germline.

Labcorp Genetics (formerly Invitae), Labcorp
Classification: Uncertain significance for Peutz-Jeghers syndrome. Last evaluated: 2021-12-24. Review status: criteria provided, single submitter. Criteria: Invitae Variant Classification Sherloc (09022015). Collection method: clinical testing. Allele origin: germline.
Comment: This variant has not been reported in the literature in individuals affected with STK11-related conditions. This variant is not present in population databases (gnomAD no frequency). This sequence change replaces serine, which is neutral and polar, with asparagine, which is neutral and polar, at codon 307 of the STK11 protein (p.Ser307Asn). This variant also falls at the last nucleotide of exon 7, which is part of the consensus splice site for this exon. In summary, the available evidence is currently insufficient to determine the role of this variant in disease. Therefore, it has been classified as a Variant of Uncertain Significance. Variants that disrupt the consensus splice site are a relatively common cause of aberrant splicing (PMID: 17576681, 9536098). Algorithms developed to predict the effect of sequence changes on RNA splicing suggest that this variant may disrupt the consensus splice site. Algorithms developed to predict the effect of missense changes on protein structure and function (SIFT, PolyPhen-2, Align-GVGD) all suggest that this variant is likely to be tolerated. ClinVar contains an entry for this variant (Variation ID: 527817).

Genome-Nilou Lab
Classification: Uncertain significance for Peutz-Jeghers syndrome. Last evaluated: 2021-07-15. Review status: criteria provided, single submitter. Criteria: ACMG Guidelines, 2015. Collection method: clinical testing. Allele origin: germline. Affected: no.

Literature cited by the submitters: PubMed 17576681 (cited by Labcorp Genetics (formerly Invitae), Labcorp); PubMed 9536098 (cited by Labcorp Genetics (formerly Invitae), Labcorp).

NM_000455.5(STK11):c.920G>A (p.Ser307Asn)

Gene: STK11 (serine/threonine kinase 11; plus strand). Cytogenetic location: 19p13.3.
Variant type: single nucleotide variant.
Coding change: c.920G>A on transcript NM_000455.5 (MANE Select); coding-DNA position 920, G replaced by A.
Protein change: p.Ser307Asn; replaces serine 307 with asparagine.
Molecular consequence: missense variant.
Genome position (GRCh38, 1-based): chr19:1,222,006, G>A. VCF-style: chr19-1222006-G-A. GRCh37 (hg19) VCF-style: chr19-1222005-G-A.
Other names: short protein forms S307N.
Identifiers: ClinVar variation 527817 (VCV000527817.16), dbSNP rs1248289980, ClinGen allele CA402951339.